The following is an entry in ClinVar:

ClinVar aggregate classification (germline): Pathogenic (1 of 4 stars; one submission).

Conditions:
Ocular albinism, type I (OA1). Also called: NETTLESHIP-FALLS TYPE OCULAR ALBINISM; Ocular Albinism type 1; X-linked recessive ocular albinism; Ocular albinism, type I, Nettleship-Falls type. Identifiers: Orphanet 54, MedGen C0342684, MONDO:0021019, OMIM 300500.

Submission:

Molecular Genetics, University Hospital Bordeaux
Classification: Pathogenic for Ocular albinism, type I. Last evaluated: 2026-02-26. Review status: criteria provided, single submitter. Criteria: ACMG Guidelines, 2015. Collection method: clinical testing. Allele origin: germline. Inheritance: X-linked recessive inheritance. Affected: yes. Observed: 4 variant alleles, 3 heterozygotes, 1 hemizygote.
Comment: The NM_000273.3:c.659_767del; The deletion is predicted to induce a reading frameshift. No other variant was found by next generation sequencing of an albinism panel containing all 21 albinism genes. ACMG criteria used for classification are: PVS1 (frameshift), PM2 (absent from control population), PP1 (cosegregation with disease in one family).

NM_000273.3(GPR143):c.659_767del

Gene: GPR143 (G protein-coupled receptor 143; minus strand). Cytogenetic location: Xp22.2.
Variant type: Deletion.
Coding change: c.659_767del on transcript NM_000273.3 (MANE Select); coding-DNA positions 659 to 767, 109 bases deleted.
Molecular consequence: splice acceptor variant.
Genome position (GRCh38, 1-based): chrX:9,743,565-9,743,673, 109 bases deleted. GRCh37 (hg19): chrX:9,711,606-9,711,714.
Identifiers: ClinVar variation 4819425 (VCV004819425.1).